The following is an entry in ClinVar:

ClinVar aggregate classification (germline): Conflicting classifications of pathogenicity. Review status: criteria provided, conflicting classifications (1 of 4 stars). 5 submissions from 5 submitters: Uncertain significance (2); Likely benign (3). Last evaluated 2025-12-28.

Conditions:
Adams-Oliver syndrome 5 (AOS5). Identifiers: Orphanet 974, MedGen C4014970, MONDO:0014459, OMIM 616028.
Familial thoracic aortic aneurysm and aortic dissection (TAAD). Also called: Thoracic aortic aneurysms and dissections. Identifiers: Orphanet 91387, MedGen C4707243, MONDO:0019625.

Allele frequency attached by ClinVar (database versions not stated): gnomAD 0.00002 and 0.00004; TOPMed 0.00002; ExAC 0.00009; 1000 Genomes Project 30x 0.00047; 1000 Genomes Project 0.00060.
gnomAD v4.1: 48 of 1,598,392 alleles (0.003%); highest among the groups gnomAD compares: Middle Eastern, 0.017%; no homozygotes.

Submissions (5):

Labcorp Genetics (formerly Invitae), Labcorp
Classification: Uncertain significance for Adams-Oliver syndrome 5. Last evaluated: 2025-12-28. Review status: criteria provided, single submitter. Criteria: Invitae Variant Classification Sherloc (09022015). Collection method: clinical testing. Allele origin: germline.
Comment: This sequence change affects codon 1300 of the NOTCH1 mRNA. It is a 'silent' change, meaning that it does not change the encoded amino acid sequence of the NOTCH1 protein. It affects a nucleotide within the consensus splice site. This variant is present in population databases (rs201791826, gnomAD 0.02%). This variant has not been reported in the literature in individuals affected with NOTCH1-related conditions. ClinVar contains an entry for this variant (Variation ID: 915767). Algorithms developed to predict the effect of sequence changes on RNA splicing suggest that this variant is not likely to affect RNA splicing. In summary, the available evidence is currently insufficient to determine the role of this variant in disease. Therefore, it has been classified as a Variant of Uncertain Significance.

Laboratory of Genetics, Children's Clinical University Hospital Latvia
Classification: Likely benign. Last evaluated: 2025-02-16. Review status: criteria provided, single submitter. Criteria: ACMG Guidelines, 2015. Collection method: clinical testing. Allele origin: germline. Affected: yes.

Women's Health and Genetics/Laboratory Corporation of America, LabCorp
Classification: Uncertain significance. Last evaluated: 2023-08-19. Review status: criteria provided, single submitter. Criteria: LabCorp Variant Classification Summary - May 2015. Collection method: clinical testing. Allele origin: germline.

Ambry Genetics
Classification: Likely benign for Familial thoracic aortic aneurysm and aortic dissection. Last evaluated: 2018-05-17. Review status: criteria provided, single submitter. Criteria: Ambry Variant Classification Scheme 2023. Collection method: clinical testing. Allele origin: germline.

CHEO Genetics Diagnostic Laboratory, Children's Hospital of Eastern Ontario
Classification: Likely benign for Familial thoracic aortic aneurysm and aortic dissection. Last evaluated: 2018-03-01. Review status: criteria provided, single submitter. Criteria: ACMG Guidelines, 2015. Collection method: clinical testing. Allele origin: germline.

NM_017617.5(NOTCH1):c.3900C>T (p.Thr1300=)

Gene: NOTCH1 (notch receptor 1; minus strand). Cytogenetic location: 9q34.3.
Variant type: single nucleotide variant.
Coding change: c.3900C>T on transcript NM_017617.5 (MANE Select); coding-DNA position 3900, C replaced by T.
Protein change: p.Thr1300=; no amino-acid change (threonine 1300 retained).
Molecular consequence: synonymous variant.
Genome position (GRCh38, 1-based): chr9:136,506,717, G>A on the plus strand (C>T on the coding strand, the complement: NOTCH1 is on the minus strand). VCF-style: chr9-136506717-G-A. GRCh37 (hg19) VCF-style: chr9-139401169-G-A.
Other names: c.3900C>T (NM_017617.4).
Identifiers: ClinVar variation 915767 (VCV000915767.11), dbSNP rs201791826, ClinGen allele CA5340777.